The following is an entry in ClinVar:

NM_001323289.2(CDKL5):c.611T>G (p.Leu204Arg)

Gene: CDKL5 (cyclin dependent kinase like 5; plus strand). Cytogenetic location: Xp22.13.
Variant type: single nucleotide variant.
Coding change: c.611T>G on transcript NM_001323289.2 (MANE Select); coding-DNA position 611, T replaced by G.
Protein change: p.Leu204Arg; replaces leucine 204 with arginine.
Molecular consequence: missense variant.
Genome position (GRCh38, 1-based): chrX:18,588,010, T>G. VCF-style: chrX-18588010-T-G. GRCh37 (hg19) VCF-style: chrX-18606130-T-G.
Other names: c.611T>G, p.Leu204Arg (NM_001037343.2, NM_003159.3); short protein forms L204R.
Identifiers: ClinVar variation 810518 (VCV000810518.42), dbSNP rs1602276088, ClinGen allele CA412353257.
Genomic context (GRCh38, chrX:18,588,010, plus strand): 5'-TCAGCGCTCCCTATGGAAAGTCCGTGGACATGTGGTCGGTGGGCTGTATTCTTGGGGAGC[T>G]TAGCGATGGACAGCCTTTATTTCCTGGAGAAAGTGAAATTGACCAACTTTTTACTATTCA-3'
Protein context (NP_001310218.1, residues 194-214): MWSVGCILGE[Leu204Arg]SDGQPLFPGE

ClinVar aggregate classification (germline): Conflicting classifications of pathogenicity. Review status: criteria provided, conflicting classifications (1 of 4 stars). 2 submissions from 2 submitters: Likely pathogenic (1); Uncertain significance (1). Last evaluated 2025-10-08.

Conditions:
Developmental and epileptic encephalopathy, 2 (DEE2). Also called: CDKL5 deficiency disorder; INFANTILE SPASM SYNDROME, X-LINKED 2. Identifiers: Orphanet 1934, Orphanet 3451, Orphanet 505652, MedGen C4750718, MONDO:0010396, OMIM 300672.

Submissions (2):

3billion
Classification: Uncertain significance for Developmental and epileptic encephalopathy, 2. Last evaluated: 2025-10-08. Review status: criteria provided, single submitter. Criteria: ACMG Guidelines, 2015. Collection method: clinical testing. Allele origin: germline. Affected: yes.
Comment: The variant is not observed in the gnomAD v4.1.0 dataset. Predicted Consequence/Location: Missense variant In silico tool predictions suggest damaging effect of the variant on gene or gene product [REVEL: 0.81 (>=0.6, sensitivity 0.68 and specificity 0.92); 3Cnet: 0.98 (> 0.75, sensitivity 0.96 and precision 0.92)]. The same nucleotide change resulting in the same amino acid change has been previously reported to be associated with CDKL5-related disorder (ClinVar ID: VCV000810518). However, the evidence of pathogenicity is insufficient at this time. Therefore, this variant is classified as VUS according to the recommendation of ACMG/AMP guideline.

CeGaT Center for Human Genetics Tuebingen
Classification: Likely pathogenic. Last evaluated: 2019-07-01. Review status: criteria provided, single submitter. Criteria: CeGaT Center For Human Genetics Tuebingen Variant Classification Criteria Version 2. Collection method: clinical testing. Allele origin: germline. Affected: yes. Observed: 2 variant alleles.